The following is an entry in ClinVar:

NM_015041.3(CLUAP1):c.455C>A (p.Ala152Glu)

Gene: CLUAP1 (clusterin associated protein 1; plus strand). Cytogenetic location: 16p13.3.
Variant type: single nucleotide variant.
Coding change: c.455C>A on transcript NM_015041.3 (MANE Select); coding-DNA position 455, C replaced by A.
Protein change: p.Ala152Glu; replaces alanine 152 with glutamic acid.
Molecular consequence: missense variant. On other transcripts: intron variant (1).
Genome position (GRCh38, 1-based): chr16:3,512,438, C>A. VCF-style: chr16-3512438-C-A. GRCh37 (hg19) VCF-style: chr16-3562438-C-A.
Other names: c.455C>A, p.Ala152Glu (NM_001330454.2); c.-4+2469C>A (NM_024793.3); c.455C>A (NM_015041.1); short protein forms A152E.
Identifiers: ClinVar variation 1000603 (VCV001000603.9), dbSNP rs145345996, ClinGen allele CA7863734.

ClinVar aggregate classification (germline): Uncertain significance. Review status: criteria provided, multiple submitters, no conflicts (2 of 4 stars). 3 submissions from 3 submitters: Uncertain significance (3). Last evaluated 2025-11-11.

Allele frequency attached by ClinVar (database versions not stated): TOPMed 0.00018; gnomAD 0.00024 and 0.00025; gnomAD exomes 0.00029 and 0.00033; ESP Exome Variant Server 0.00031; ExAC 0.00037.
gnomAD v4.1: 507 of 1,613,938 alleles (0.031%); highest among the groups gnomAD compares: Non-Finnish European, 0.039%; no homozygotes.

Submissions (3):

Labcorp Genetics (formerly Invitae), Labcorp
Classification: Uncertain significance. Last evaluated: 2025-11-11. Review status: criteria provided, single submitter. Criteria: Invitae Variant Classification Sherloc (09022015). Collection method: clinical testing. Allele origin: germline.
Comment: This sequence change replaces alanine, which is neutral and non-polar, with glutamic acid, which is acidic and polar, at codon 152 of the CLUAP1 protein (p.Ala152Glu). This variant is present in population databases (rs145345996, gnomAD 0.04%). This variant has not been reported in the literature in individuals affected with CLUAP1-related conditions. ClinVar contains an entry for this variant (Variation ID: 1000603). Invitae Evidence Modeling of protein sequence and biophysical properties (such as structural, functional, and spatial information, amino acid conservation, physicochemical variation, residue mobility, and thermodynamic stability) indicates that this missense variant is expected to disrupt CLUAP1 protein function with a positive predictive value of 80%. In summary, the available evidence is currently insufficient to determine the role of this variant in disease. Therefore, it has been classified as a Variant of Uncertain Significance.

Ambry Genetics
Classification: Uncertain significance. Last evaluated: 2025-07-02. Review status: criteria provided, single submitter. Criteria: Ambry Variant Classification Scheme 2023. Collection method: clinical testing. Allele origin: germline.

Breakthrough Genomics
Classification: Uncertain significance. Review status: criteria provided, single submitter. Criteria: ACMG Guidelines, 2015. Collection method: not provided. Allele origin: germline. Inheritance: Unknown mechanism. Affected: yes.